The following is an entry in ClinVar:

NM_014014.5(SNRNP200):c.1520C>T (p.Ala507Val)

Gene: SNRNP200 (small nuclear ribonucleoprotein U5 subunit 200; minus strand). Cytogenetic location: 2q11.2.
Variant type: single nucleotide variant.
Coding change: c.1520C>T on transcript NM_014014.5 (MANE Select); coding-DNA position 1520, C replaced by T.
Protein change: p.Ala507Val; replaces alanine 507 with valine.
Molecular consequence: missense variant.
Genome position (GRCh38, 1-based): chr2:96,296,687, G>A on the plus strand (C>T on the coding strand, the complement: SNRNP200 is on the minus strand). VCF-style: chr2-96296687-G-A. GRCh37 (hg19) VCF-style: chr2-96962425-G-A.
Other names: c.1520C>T (NM_014014.4); short protein forms A507V.
Identifiers: ClinVar variation 2094040 (VCV002094040.6), dbSNP rs2467348443, ClinGen allele CA347682405.

ClinVar aggregate classification (germline): Uncertain significance. Review status: criteria provided, multiple submitters, no conflicts (2 of 4 stars). 3 submissions from 3 submitters: Uncertain significance (3). Last evaluated 2026-03-02.

Conditions:
SNRNP200-related disorder. Also called: SNRNP200-related condition.
Retinal dystrophy. Also called: Inherited retinal dystrophy. Identifiers: Orphanet 71862, MedGen C0854723, MeSH D058499, MONDO:0019118, HP:0000556.

Submissions (3):

PreventionGenetics, part of Exact Sciences
Classification: Uncertain significance for SNRNP200-related condition. Last evaluated: 2026-03-02. Review status: criteria provided, single submitter. Criteria: ACMG Guidelines, 2015. Collection method: clinical testing. Allele origin: germline.
Comment: The SNRNP200 c.1520C>T variant is predicted to result in the amino acid substitution p.Ala507Val. This variant has been reported in the heterozygous state in an individual with retinitis pigmentosa (Table S2, Xiao et al. 2021. PubMed ID: 33598457). This variant has not been reported in a large population database (gnomAD), indicating this variant is rare. At this time, the clinical significance of this variant is uncertain due to the absence of conclusive functional and genetic evidence.

Dept Of Ophthalmology, Nagoya University
Classification: Uncertain significance for Retinal dystrophy. Last evaluated: 2023-10-01. Review status: criteria provided, single submitter. Criteria: Submitter's publication. Collection method: research. Allele origin: germline. Affected: yes.

Labcorp Genetics (formerly Invitae), Labcorp
Classification: Uncertain significance. Last evaluated: 2022-02-06. Review status: criteria provided, single submitter. Criteria: Invitae Variant Classification Sherloc (09022015). Collection method: clinical testing. Allele origin: germline.
Comment: This sequence change replaces alanine, which is neutral and non-polar, with valine, which is neutral and non-polar, at codon 507 of the SNRNP200 protein (p.Ala507Val). This variant is not present in population databases (gnomAD no frequency). This missense change has been observed in individuals with autosomal dominant retinitis pigmentosa (PMID: 33598457; Invitae). Algorithms developed to predict the effect of missense changes on protein structure and function are either unavailable or do not agree on the potential impact of this missense change (SIFT: "Deleterious"; PolyPhen-2: "Probably Damaging"; Align-GVGD: "Class C0"). In summary, the available evidence is currently insufficient to determine the role of this variant in disease. Therefore, it has been classified as a Variant of Uncertain Significance.

Literature cited by the submitters: PubMed 33598457 (cited by Labcorp Genetics (formerly Invitae), Labcorp).